The following is an entry in ClinVar:

NM_000291.4(PGK1):c.163G>T (p.Ala55Ser)

Gene: PGK1 (phosphoglycerate kinase 1; plus strand). Cytogenetic location: Xq21.1.
Variant type: single nucleotide variant.
Coding change: c.163G>T on transcript NM_000291.4 (MANE Select); coding-DNA position 163, G replaced by T.
Protein change: p.Ala55Ser; replaces alanine 55 with serine.
Molecular consequence: missense variant.
Genome position (GRCh38, 1-based): chrX:78,113,790, G>T. VCF-style: chrX-78113790-G-T. GRCh37 (hg19) VCF-style: chrX-77369287-G-T.
Other names: short protein forms A55S.
Identifiers: ClinVar variation 1474860 (VCV001474860.8), dbSNP rs2149132085, ClinGen allele CA413718873.

ClinVar aggregate classification (germline): Uncertain significance (1 of 4 stars; one submission).

Submission:

Labcorp Genetics (formerly Invitae), Labcorp
Classification: Uncertain significance. Last evaluated: 2022-03-02. Review status: criteria provided, single submitter. Criteria: Invitae Variant Classification Sherloc (09022015). Collection method: clinical testing. Allele origin: germline.
Comment: In summary, the available evidence is currently insufficient to determine the role of this variant in disease. Therefore, it has been classified as a Variant of Uncertain Significance. Algorithms developed to predict the effect of missense changes on protein structure and function (SIFT, PolyPhen-2, Align-GVGD) all suggest that this variant is likely to be tolerated. This variant has not been reported in the literature in individuals affected with PGK1-related conditions. This variant is not present in population databases (gnomAD no frequency). This sequence change replaces alanine, which is neutral and non-polar, with serine, which is neutral and polar, at codon 55 of the PGK1 protein (p.Ala55Ser).